The following is an entry in ClinVar:

ClinVar aggregate classification (germline): Uncertain significance (1 of 4 stars; one submission).

Submission:

GeneDx
Classification: Uncertain significance. Last evaluated: 2019-08-23. Review status: criteria provided, single submitter. Criteria: GeneDx Variant Classification Process June 2021. Collection method: clinical testing. Allele origin: germline. Affected: yes.
Comment: Not observed in large population cohorts (Lek et al., 2016); In silico analysis, which includes protein predictors and evolutionary conservation, supports that this variant does not alter protein structure/function; Has not been previously published as pathogenic or benign to our knowledge

NM_020320.5(RARS2):c.1567A>G (p.Ser523Gly)

Gene: RARS2 (arginyl-tRNA synthetase 2, mitochondrial; minus strand). Cytogenetic location: 6q15.
Variant type: single nucleotide variant.
Coding change: c.1567A>G on transcript NM_020320.5 (MANE Select); coding-DNA position 1567, A replaced by G.
Protein change: p.Ser523Gly; replaces serine 523 with glycine.
Molecular consequence: missense variant. On other transcripts: non-coding transcript variant (23).
Genome position (GRCh38, 1-based): chr6:87,516,825, T>C on the plus strand (A>G on the coding strand, the complement: RARS2 is on the minus strand). VCF-style: chr6-87516825-T-C. GRCh37 (hg19) VCF-style: chr6-88226543-T-C.
Other names: c.1042A>G, p.Ser348Gly (NM_001318785.2, NM_001350506.2, NM_001350507.2 and 4 more transcripts); c.1567A>G, p.Ser523Gly (NM_001350505.2); short protein forms S348G, S523G.
Identifiers: ClinVar variation 1308085 (VCV001308085.2), dbSNP rs2127993935, ClinGen allele CA364919739.